The following is an entry in ClinVar:

NM_000185.4(SERPIND1):c.830C>T (p.Ala277Val)

Genes: PI4KA (phosphatidylinositol 4-kinase alpha; minus strand), SERPIND1 (serpin family D member 1; plus strand). Cytogenetic location: 22q11.21.
Variant type: single nucleotide variant.
Coding change: c.830C>T on transcript NM_000185.4 (MANE Select); coding-DNA position 830, C replaced by T.
Protein change: p.Ala277Val; replaces alanine 277 with valine.
Molecular consequence: missense variant. On other transcripts: intron variant (3).
Genome position (GRCh38, 1-based): chr22:20,780,142, C>T. VCF-style: chr22-20780142-C-T. GRCh37 (hg19) VCF-style: chr22-21134430-C-T.
Other names: c.2262+13051G>A (NM_001362863.2); c.2328+13051G>A (NM_001362862.2, NM_058004.4); short protein forms A277V.
Identifiers: ClinVar variation 3049069 (VCV003049069.3), dbSNP rs115355953, ClinGen allele CA10115956.

ClinVar aggregate classification (germline): Likely benign. Review status: criteria provided, single submitter (1 of 4 stars). 2 submissions from 2 submitters: Likely benign (1). 1 of the submissions does not count toward it. Last evaluated 2021-07-30.

Conditions:
Heparin cofactor II deficiency. Also called: HCF II DEFICIENCY; HCF2 DEFICIENCY; THROMBOPHILIA DUE TO HEPARIN COFACTOR II DEFICIENCY; Heparin cofactor 2 deficiency. Identifiers: MedGen C0398626, MONDO:0012876, OMIM 612356.
SERPIND1-related disorder. Also called: SERPIND1-related condition.

Allele frequency attached by ClinVar (database versions not stated): gnomAD exomes 0.00018; ExAC 0.00054; gnomAD 0.00169; TOPMed 0.00191; ESP Exome Variant Server 0.00269; 1000 Genomes Project 0.00319; 1000 Genomes Project 30x 0.00344.
gnomAD v4.1: 539 of 1,614,198 alleles (0.033%); highest among the groups gnomAD compares: African/African-American, 0.64%; 2 homozygotes.

Submissions (2):

Department of Pathology and Laboratory Medicine, Sinai Health System
Classification: Likely benign for Heparin cofactor II deficiency. Last evaluated: 2021-07-30. Review status: criteria provided, single submitter. Criteria: ACMG Guidelines, 2015. Collection method: research. Allele origin: germline.

PreventionGenetics, part of Exact Sciences
Classification: Likely benign for SERPIND1-related condition. Last evaluated: 2020-06-02. Review status: no assertion criteria provided. Collection method: clinical testing. Allele origin: germline. Not counted in ClinVar's aggregate classification.
Comment: This variant is classified as likely benign based on ACMG/AMP sequence variant interpretation guidelines (Richards et al. 2015 PMID: 25741868, with internal and published modifications).